The following is an entry in ClinVar:

NM_005633.4(SOS1):c.2057A>G (p.Gln686Arg)

Gene: SOS1 (SOS Ras/Rac guanine nucleotide exchange factor 1; minus strand). Cytogenetic location: 2p22.1.
Variant type: single nucleotide variant.
Coding change: c.2057A>G on transcript NM_005633.4 (MANE Select); coding-DNA position 2057, A replaced by G.
Protein change: p.Gln686Arg; replaces glutamine 686 with arginine.
Molecular consequence: missense variant.
Genome position (GRCh38, 1-based): chr2:39,013,873, T>C on the plus strand (A>G on the coding strand, the complement: SOS1 is on the minus strand). VCF-style: chr2-39013873-T-C. GRCh37 (hg19) VCF-style: chr2-39241014-T-C.
Other names: c.2036A>G, p.Gln679Arg (NM_001382394.1); c.2057A>G, p.Gln686Arg (NM_001382395.1); short protein forms Q679R, Q686R.
Identifiers: ClinVar variation 3063809 (VCV003063809.3), dbSNP rs751118433, ClinGen allele CA346364759.

ClinVar aggregate classification (germline): Uncertain significance. Review status: criteria provided, multiple submitters, no conflicts (2 of 4 stars). 2 submissions from 2 submitters: Uncertain significance (2). Last evaluated 2024-06-15.

Conditions:
RASopathy. Also called: rasopathies; Noonan spectrum disorder. Identifiers: Orphanet 536391, MedGen C5555857, MONDO:0021060.

Submissions (2):

Labcorp Genetics (formerly Invitae), Labcorp
Classification: Uncertain significance for RASopathy. Last evaluated: 2024-06-15. Review status: criteria provided, single submitter. Criteria: Invitae Variant Classification Sherloc (09022015). Collection method: clinical testing. Allele origin: germline.
Comment: This sequence change replaces glutamine, which is neutral and polar, with arginine, which is basic and polar, at codon 686 of the SOS1 protein (p.Gln686Arg). This variant is not present in population databases (gnomAD no frequency). This variant has not been reported in the literature in individuals affected with SOS1-related conditions. Advanced modeling of protein sequence and biophysical properties (such as structural, functional, and spatial information, amino acid conservation, physicochemical variation, residue mobility, and thermodynamic stability) has been performed at Invitae for this missense variant, however the output from this modeling did not meet the statistical confidence thresholds required to predict the impact of this variant on SOS1 protein function. In summary, the available evidence is currently insufficient to determine the role of this variant in disease. Therefore, it has been classified as a Variant of Uncertain Significance.

Women's Health and Genetics/Laboratory Corporation of America, LabCorp
Classification: Uncertain significance. Last evaluated: 2024-01-08. Review status: criteria provided, single submitter. Criteria: LabCorp Variant Classification Summary - May 2015. Collection method: clinical testing. Allele origin: germline.